The following is an entry in ClinVar:

NM_003482.4(KMT2D):c.10411C>G (p.Gln3471Glu)

Gene: KMT2D (lysine methyltransferase 2D; minus strand). Cytogenetic location: 12q13.12.
Variant type: single nucleotide variant.
Coding change: c.10411C>G on transcript NM_003482.4 (MANE Select); coding-DNA position 10411, C replaced by G.
Protein change: p.Gln3471Glu; replaces glutamine 3471 with glutamic acid.
Molecular consequence: missense variant.
Genome position (GRCh38, 1-based): chr12:49,034,611, G>C on the plus strand (C>G on the coding strand, the complement: KMT2D is on the minus strand). VCF-style: chr12-49034611-G-C. GRCh37 (hg19) VCF-style: chr12-49428394-G-C.
Other names: short protein forms Q3471E.
Identifiers: ClinVar variation 4744031 (VCV004744031.2).
Genomic context (GRCh38, chr12:49,034,611, plus strand): 5'-CACAAGTTCCTACTCCCACCTGACCACTTACCTGGCCACTCCCAGCTGCCACATGGTTCT[G>C]CAGATCACTGCTAGGTCCCCCCGAGAGCCTCTGGGCTAGCAGAGACACTTGCTGTCTGGA-3'
Protein context (NP_003473.3, residues 3461-3481): RLSGGPSSDL[Gln3471Glu]NHVAAGSGQE

ClinVar aggregate classification (germline): Uncertain significance. Review status: criteria provided, multiple submitters, no conflicts (2 of 4 stars). 2 submissions from 2 submitters: Uncertain significance (2). Last evaluated 2025-11-04.

Conditions:
Kabuki syndrome. Also called: Kabuki make-up syndrome; NIIKAWA-KUROKI SYNDROME. Identifiers: Orphanet 2322, MedGen C0796004, MONDO:0016512.
KMT2D-related disorder. Also called: KMT2D-Related Disorders.

Submissions (2):

PreventionGenetics, part of Exact Sciences
Classification: Uncertain significance for KMT2D-related condition. Last evaluated: 2025-11-04. Review status: criteria provided, single submitter. Criteria: ACMG Guidelines, 2015. Collection method: clinical testing. Allele origin: germline.
Comment: The KMT2D c.10411C>G variant is predicted to result in the amino acid substitution p.Gln3471Glu. To our knowledge, this variant has not been reported in the literature or in a large population database (gnomAD), indicating this variant is rare. At this time, the clinical significance of this variant is uncertain due to the absence of conclusive functional and genetic evidence.

Labcorp Genetics (formerly Invitae), Labcorp
Classification: Uncertain significance for Kabuki syndrome. Last evaluated: 2025-10-15. Review status: criteria provided, single submitter. Criteria: Invitae Variant Classification Sherloc (09022015). Collection method: clinical testing. Allele origin: germline.
Comment: This sequence change replaces glutamine, which is neutral and polar, with glutamic acid, which is acidic and polar, at codon 3471 of the KMT2D protein (p.Gln3471Glu). This variant is not present in population databases (gnomAD no frequency). This variant has not been reported in the literature in individuals affected with KMT2D-related conditions. Invitae Evidence Modeling of protein sequence and biophysical properties (such as structural, functional, and spatial information, amino acid conservation, physicochemical variation, residue mobility, and thermodynamic stability) indicates that this missense variant is not expected to disrupt KMT2D protein function with a negative predictive value of 95%. In summary, the available evidence is currently insufficient to determine the role of this variant in disease. Therefore, it has been classified as a Variant of Uncertain Significance.